The following is an entry in ClinVar:

ClinVar aggregate classification (germline): Likely benign (1 of 4 stars; one submission).

Allele frequency attached by ClinVar (database versions not stated): gnomAD exomes below 0.00001.

Submission:

CeGaT Center for Human Genetics Tuebingen
Classification: Likely benign. Last evaluated: 2024-04-01. Review status: criteria provided, single submitter. Criteria: CeGaT Center For Human Genetics Tuebingen Variant Classification Criteria Version 2. Collection method: clinical testing. Allele origin: germline. Affected: yes. Observed: 1 variant allele.
Comment: NOA1: PM2:Supporting, BP4, BP7

NM_032313.4(NOA1):c.2061C>T (p.Tyr687=)

Gene: NOA1 (nitric oxide associated 1; minus strand). Cytogenetic location: 4q12.
Variant type: single nucleotide variant.
Coding change: c.2061C>T on transcript NM_032313.4 (MANE Select); coding-DNA position 2061, C replaced by T.
Protein change: p.Tyr687=; no amino-acid change (tyrosine 687 retained).
Molecular consequence: synonymous variant.
Genome position (GRCh38, 1-based): chr4:56,963,486, G>A on the plus strand (C>T on the coding strand, the complement: NOA1 is on the minus strand). VCF-style: chr4-56963486-G-A. GRCh37 (hg19) VCF-style: chr4-57829652-G-A.
Identifiers: ClinVar variation 3234608 (VCV003234608.20), dbSNP rs2475888116, ClinGen allele CA439510596.